The following is an entry in ClinVar:

ClinVar aggregate classification (germline): Uncertain significance. Review status: criteria provided, multiple submitters, no conflicts (2 of 4 stars). 2 submissions from 2 submitters: Uncertain significance (2). Last evaluated 2022-03-10.

Conditions:
Glycogen storage disease, type II (IOPD). Also called: CARDIOMEGALIA GLYCOGENICA DIFFUSA; GLYCOGENOSIS, GENERALIZED, CARDIAC FORM; POMPE DISEASE, INFANTILE-ONSET; GLYCOGEN STORAGE DISEASE II, INFANTILE-ONSET; ACID ALPHA-GLUCOSIDASE DEFICIENCY, INFANTILE-ONSET; GAA DEFICIENCY, INFANTILE-ONSET. Identifiers: Orphanet 365, MedGen C0017921, MONDO:0009290, OMIM 232300.

Allele frequency attached by ClinVar (database versions not stated): gnomAD 0.00001; gnomAD exomes 0.00001; TOPMed 0.00002; ESP Exome Variant Server 0.00008.
gnomAD v4.1: 11 of 1,612,718 alleles (0.00068%); highest among the groups gnomAD compares: African/African-American, 0.0027%; no homozygotes.

Submissions (2):

Labcorp Genetics (formerly Invitae), Labcorp
Classification: Uncertain significance for Glycogen storage disease, type II. Last evaluated: 2022-03-10. Review status: criteria provided, single submitter. Criteria: Invitae Variant Classification Sherloc (09022015). Collection method: clinical testing. Allele origin: germline.
Comment: This sequence change replaces arginine, which is basic and polar, with cysteine, which is neutral and slightly polar, at codon 794 of the GAA protein (p.Arg794Cys). This variant is present in population databases (rs367779589, gnomAD 0.004%). This variant has not been reported in the literature in individuals affected with GAA-related conditions. Advanced modeling of protein sequence and biophysical properties (such as structural, functional, and spatial information, amino acid conservation, physicochemical variation, residue mobility, and thermodynamic stability) performed at Invitae indicates that this missense variant is not expected to disrupt GAA protein function. In summary, the available evidence is currently insufficient to determine the role of this variant in disease. Therefore, it has been classified as a Variant of Uncertain Significance.

Revvity Omics, Revvity
Classification: Uncertain significance. Last evaluated: 2021-04-05. Review status: criteria provided, single submitter. Criteria: ACMG Guidelines, 2015. Collection method: clinical testing. Allele origin: germline.

NM_000152.5(GAA):c.2380C>T (p.Arg794Cys)

Gene: GAA (alpha glucosidase; plus strand). Cytogenetic location: 17q25.3.
Variant type: single nucleotide variant.
Coding change: c.2380C>T on transcript NM_000152.5 (MANE Select); coding-DNA position 2380, C replaced by T.
Protein change: p.Arg794Cys; replaces arginine 794 with cysteine.
Molecular consequence: missense variant.
Genome position (GRCh38, 1-based): chr17:80,117,648, C>T. VCF-style: chr17-80117648-C-T. GRCh37 (hg19) VCF-style: chr17-78091447-C-T.
Other names: c.2380C>T, p.Arg794Cys (NM_001079803.3, NM_001079804.3, NM_001406741.1 and 1 more transcripts); short protein forms R794C.
Identifiers: ClinVar variation 1931152 (VCV001931152.5), dbSNP rs367779589, ClinGen allele CA294857164.